The following is an entry in ClinVar:

ClinVar aggregate classification (germline): Uncertain significance (1 of 4 stars; one submission).

Allele frequency attached by ClinVar (database versions not stated): gnomAD exomes 0.00001; ExAC 0.00003; gnomAD 0.00004; TOPMed 0.00005; ESP Exome Variant Server 0.00008.

Submission:

Labcorp Genetics (formerly Invitae), Labcorp
Classification: Uncertain significance. Last evaluated: 2023-12-07. Review status: criteria provided, single submitter. Criteria: Invitae Variant Classification Sherloc (09022015). Collection method: clinical testing. Allele origin: germline.
Comment: This sequence change replaces valine, which is neutral and non-polar, with methionine, which is neutral and non-polar, at codon 25 of the SLC39A7 protein (p.Val25Met). This variant is present in population databases (rs370528039, gnomAD 0.02%). This variant has not been reported in the literature in individuals affected with SLC39A7-related conditions. ClinVar contains an entry for this variant (Variation ID: 1913610). An algorithm developed to predict the effect of missense changes on protein structure and function (PolyPhen-2) suggests that this variant¬†is likely to be tolerated. In summary, the available evidence is currently insufficient to determine the role of this variant in disease. Therefore, it has been classified as a Variant of Uncertain Significance.

NM_006979.3(SLC39A7):c.73G>A (p.Val25Met)

Gene: SLC39A7 (solute carrier family 39 member 7; plus strand). Cytogenetic location: 6p21.32.
Variant type: single nucleotide variant.
Coding change: c.73G>A on transcript NM_006979.3 (MANE Select); coding-DNA position 73, G replaced by A.
Protein change: p.Val25Met; replaces valine 25 with methionine.
Molecular consequence: missense variant. On other transcripts: 5 prime UTR variant (1).
Genome position (GRCh38, 1-based): chr6:33,201,318, G>A. VCF-style: chr6-33201318-G-A. GRCh37 (hg19) VCF-style: chr6-33169095-G-A.
Other names: c.73G>A, p.Val25Met (NM_001077516.2); c.-19G>A (NM_001288777.2); short protein forms V25M.
Identifiers: ClinVar variation 1913610 (VCV001913610.3), dbSNP rs370528039, ClinGen allele CA3752192.